The following is an entry in ClinVar:

ClinVar aggregate classification (germline): Uncertain significance. Review status: criteria provided, multiple submitters, no conflicts (2 of 4 stars). 5 submissions from 5 submitters: Uncertain significance (5). Last evaluated 2026-06-30.

Conditions:
Polycystic kidney disease, adult type (PKD1). Also called: Polycystic Kidney Disease 1, Autosomal Dominant; Polycystic kidney disease 1; Polycystic kidney disease 1, severe; Polycystic Kidney, Autosomal Dominant; POLYCYSTIC KIDNEY DISEASE, ADULT, TYPE I; POLYCYSTIC KIDNEY DISEASE 1 WITH OR WITHOUT POLYCYSTIC LIVER DISEASE. Identifiers: MedGen C3149841, MONDO:0008263, OMIM 173900.
PKD1-related disorder. Also called: PKD1-related condition.
Inborn genetic diseases. Identifiers: MedGen C0950123, MeSH D030342.

Allele frequency attached by ClinVar (database versions not stated): gnomAD 0.00003; TOPMed 0.00003; ExAC 0.00005.
gnomAD v4.1: 101 of 1,608,482 alleles (0.0063%); highest among the groups gnomAD compares: Non-Finnish European, 0.0076%; no homozygotes.

Submissions (5):

PreventionGenetics, part of Exact Sciences
Classification: Uncertain significance for PKD1-related condition. Last evaluated: 2026-06-30. Review status: criteria provided, single submitter. Criteria: ACMG Guidelines, 2015. Collection method: clinical testing. Allele origin: germline.
Comment: The PKD1 c.3827C>T variant is predicted to result in the amino acid substitution p.Ala1276Val. To our knowledge, this variant has not been reported in the literature. This variant is reported in 0.0066% of alleles in individuals of European (Non-Finnish) descent in gnomAD. At this time, the clinical significance of this variant is uncertain due to the absence of conclusive functional and genetic evidence.

Fulgent Genetics
Classification: Uncertain significance for Polycystic kidney disease, adult type. Last evaluated: 2024-03-18. Review status: criteria provided, single submitter. Criteria: ACMG Guidelines, 2015. Collection method: clinical testing. Allele origin: germline.

Genetic Services Laboratory, University of Chicago
Classification: Uncertain significance. Last evaluated: 2023-10-18. Review status: criteria provided, single submitter. Criteria: ACMG Guidelines, 2015. Collection method: clinical testing. Allele origin: germline. Affected: no.
Comment: DNA sequence analysis of the PKD1 gene demonstrated a sequence change, c.3827C>T, in exon 15 that results in an amino acid change, p.Ala1276Val. This sequence change does not appear to have been previously described in individuals with PKD1-related disorders. This sequence change has been described in the gnomAD database with a frequency of 0.0045% in the overall population (dbSNP rs776429943). The p.Ala1276Val change affects a highly conserved amino acid residue located in a domain of the PKD1 protein that is known to be functional. In-silico pathogenicity prediction tools (SIFT, PolyPhen2, Align GVGD, REVEL) provide contradictory results for the p.Ala1276Val substitution. Due to insufficient evidence and the lack of functional studies, the clinical significance of the p.Ala1276Val change remains unknown at this time.

Ambry Genetics
Classification: Uncertain significance for Inborn genetic diseases. Last evaluated: 2021-09-15. Review status: criteria provided, single submitter. Criteria: Ambry Variant Classification Scheme 2023. Collection method: clinical testing. Allele origin: germline.

Department of Pathology and Laboratory Medicine, Sinai Health System
Classification: Uncertain significance for Polycystic kidney disease, adult type. Last evaluated: 2018-08-21. Review status: criteria provided, single submitter. Criteria: ACMG Guidelines, 2015. Collection method: clinical testing. Allele origin: germline. Affected: yes.

NM_001009944.3(PKD1):c.3827C>T (p.Ala1276Val)

Gene: PKD1 (polycystin 1, transient receptor potential channel interacting; minus strand). Cytogenetic location: 16p13.3.
Variant type: single nucleotide variant.
Coding change: c.3827C>T on transcript NM_001009944.3 (MANE Select); coding-DNA position 3827, C replaced by T.
Protein change: p.Ala1276Val; replaces alanine 1276 with valine.
Molecular consequence: missense variant.
Genome position (GRCh38, 1-based): chr16:2,111,340, G>A on the plus strand (C>T on the coding strand, the complement: PKD1 is on the minus strand). VCF-style: chr16-2111340-G-A. GRCh37 (hg19) VCF-style: chr16-2161341-G-A.
Other names: c.3827C>T, p.Ala1276Val (NM_000296.4); short protein forms A1276V.
Identifiers: ClinVar variation 2391586 (VCV002391586.7), dbSNP rs776429943, ClinGen allele CA7832622.